The following is an entry in ClinVar:

NM_000827.4(GRIA1):c.100C>T (p.Gln34Ter)

Gene: GRIA1 (glutamate ionotropic receptor AMPA type subunit 1; plus strand). Cytogenetic location: 5q33.2.
Variant type: single nucleotide variant.
Coding change: c.100C>T on transcript NM_000827.4 (MANE Select); coding-DNA position 100, C replaced by T.
Protein change: p.Gln34Ter; replaces glutamine 34 with a stop codon.
Molecular consequence: nonsense. On other transcripts: 5 prime UTR variant (3), non-coding transcript variant (1).
Genome position (GRCh38, 1-based): chr5:153,493,945, C>T. VCF-style: chr5-153493945-C-T. GRCh37 (hg19) VCF-style: chr5-152873505-C-T.
Other names: c.100C>T, p.Gln34Ter (NM_001114183.2, NM_001258019.2, NM_001364165.2); c.-243C>T (NM_001258020.2); c.130C>T, p.Gln44Ter (NM_001258021.2, NM_001258022.2); c.-108C>T (NM_001258023.1, NM_001364167.2); c.127C>T, p.Gln43Ter (NM_001364166.2); short protein forms Q34*, Q43*, Q44*.
Identifiers: ClinVar variation 4876784 (VCV004876784.1).
Genomic context (GRCh38, chr5:153,493,945, plus strand): 5'-TGTCTCTAGCCCATATACCATGTTGCATTTTCTTTTCTCATAGGGGGATTATTTCCAAAC[C>T]AGCAGTCACAGGAACATGCTGCTTTTAGATTTGCTTTGTCGCAACTCACAGAGCCCCCGA-3'

ClinVar aggregate classification (germline): Uncertain significance (1 of 4 stars; one submission).

Conditions:
Intellectual developmental disorder, autosomal dominant 67 (MRD67). Also called: MENTAL RETARDATION, AUTOSOMAL DOMINANT 67. Identifiers: MedGen C5677006, MONDO:0030964, OMIM 619927.

Submission:

Human Genetics Bochum, Ruhr University Bochum
Classification: Uncertain significance for Intellectual developmental disorder, autosomal dominant 67. Last evaluated: 2026-01-07. Review status: criteria provided, single submitter. Criteria: ACMG Guidelines, 2015. Collection method: clinical testing. Allele origin: germline. Affected: yes.
Comment: ACMG criteria used to clasify this variant: PVS1_MOD, PM1_SUP, PM2_SUP